The following is an entry in ClinVar:

NM_001348946.2(ABCB1):c.3747C>G (p.Gly1249=)

Gene: ABCB1 (ATP binding cassette subfamily B member 1; minus strand). Cytogenetic location: 7q21.12.
Variant type: single nucleotide variant.
Coding change: c.3747C>G on transcript NM_001348946.2 (MANE Select); coding-DNA position 3747, C replaced by G.
Protein change: p.Gly1249=; no amino-acid change (glycine 1249 retained).
Molecular consequence: synonymous variant.
Genome position (GRCh38, 1-based): chr7:87,504,339, G>C on the plus strand (C>G on the coding strand, the complement: ABCB1 is on the minus strand). VCF-style: chr7-87504339-G-C. GRCh37 (hg19) VCF-style: chr7-87133655-G-C.
Other names: c.3747C>G, p.Gly1249= (NM_000927.5, NM_001348944.2); c.3957C>G, p.Gly1319= (NM_001348945.2).
Identifiers: ClinVar variation 747040 (VCV000747040.5), dbSNP rs2235051, ClinGen allele CA4327689.

ClinVar aggregate classification (germline): Likely benign. Review status: criteria provided, single submitter (1 of 4 stars). 2 submissions from 2 submitters: Likely benign (1). 1 of the submissions does not count toward it. Last evaluated 2018-05-30.

Conditions:
ABCB1-related disorder. Also called: ABCB1-related condition.

Allele frequency attached by ClinVar (database versions not stated): ExAC 0.00049; gnomAD exomes 0.00052; ESP Exome Variant Server 0.00062; TOPMed 0.00062; gnomAD 0.00084 and 0.00086.
gnomAD v4.1: 578 of 1,614,034 alleles (0.036%); highest among the groups gnomAD compares: African/African-American, 0.15%; 1 homozygote.

Submissions (2):

Labcorp Genetics (formerly Invitae), Labcorp
Classification: Likely benign. Last evaluated: 2018-05-30. Review status: criteria provided, single submitter. Criteria: Invitae Variant Classification Sherloc (09022015). Collection method: clinical testing. Allele origin: germline.

PreventionGenetics, part of Exact Sciences
Classification: Likely benign for ABCB1-related condition. Last evaluated: 2019-10-16. Review status: no assertion criteria provided. Collection method: clinical testing. Allele origin: germline. Not counted in ClinVar's aggregate classification.
Comment: This variant is classified as likely benign based on ACMG/AMP sequence variant interpretation guidelines (Richards et al. 2015 PMID: 25741868, with internal and published modifications).